The following is an entry in ClinVar:

NM_032237.5(POMK):c.404T>A (p.Val135Asp)

Gene: POMK (protein O-mannose kinase; plus strand). Cytogenetic location: 8p11.21.
Variant type: single nucleotide variant.
Coding change: c.404T>A on transcript NM_032237.5 (MANE Select); coding-DNA position 404, T replaced by A.
Protein change: p.Val135Asp; replaces valine 135 with aspartic acid.
Molecular consequence: missense variant.
Genome position (GRCh38, 1-based): chr8:43,122,228, T>A. VCF-style: chr8-43122228-T-A. GRCh37 (hg19) VCF-style: chr8-42977371-T-A.
Other names: c.404T>A, p.Val135Asp (NM_001277971.2); short protein forms V135D.
Identifiers: ClinVar variation 1480940 (VCV001480940.6), dbSNP rs2130626484, ClinGen allele CA371121636.
Genomic context (GRCh38, chr8:43,122,228, plus strand): 5'-TGAAAGATGATTTCCTCCATGGACTGCAGATGCTGAAATCTCTCCAAGGCACACATGTTG[T>A]CACGCTGCTTGGCTATTGTGAGGATGACAACACTATGCTTACTGAATATCACCCTCTAGG-3'
Protein context (NP_115613.1, residues 125-145): MLKSLQGTHV[Val135Asp]TLLGYCEDDN

ClinVar aggregate classification (germline): Uncertain significance (1 of 4 stars; one submission).

Conditions:
Muscular dystrophy-dystroglycanopathy (congenital with brain and eye anomalies), type a, 12 (MDDGA12). Also called: WALKER-WARBURG SYNDROME OR MUSCLE-EYE-BRAIN DISEASE, POMK-RELATED. Identifiers: Orphanet 899, MedGen C3808964, MONDO:0014101, OMIM 615249.
Limb-girdle muscular dystrophy due to POMK deficiency. Also called: MUSCULAR DYSTROPHY-DYSTROGLYCANOPATHY, LIMB-GIRDLE, POMK-RELATED; Muscular dystrophy-dystroglycanopathy (limb-girdle), type c, 12. Identifiers: Orphanet 445110, MedGen C4015184, MONDO:0014489, OMIM 616094.

gnomAD v4.1: 2 of 1,614,228 alleles (0.00012%); highest among the groups gnomAD compares: Non-Finnish European, 0.00017%; no homozygotes.

Submission:

Labcorp Genetics (formerly Invitae), Labcorp
Classification: Uncertain significance for Muscular dystrophy-dystroglycanopathy (congenital with brain and eye anomalies), type a, 12; Limb-girdle muscular dystrophy due to POMK deficiency. Last evaluated: 2022-08-23. Review status: criteria provided, single submitter. Criteria: Invitae Variant Classification Sherloc (09022015). Collection method: clinical testing. Allele origin: germline.
Comment: This sequence change replaces valine, which is neutral and non-polar, with aspartic acid, which is acidic and polar, at codon 135 of the POMK protein (p.Val135Asp). This variant is not present in population databases (gnomAD no frequency). This variant has not been reported in the literature in individuals affected with POMK-related conditions. ClinVar contains an entry for this variant (Variation ID: 1480940). Algorithms developed to predict the effect of missense changes on protein structure and function (SIFT, PolyPhen-2, Align-GVGD) all suggest that this variant is likely to be disruptive. In summary, the available evidence is currently insufficient to determine the role of this variant in disease. Therefore, it has been classified as a Variant of Uncertain Significance.